The following is an entry in ClinVar:

ClinVar aggregate classification (germline): Uncertain significance (1 of 4 stars; one submission).

Conditions:
Developmental and epileptic encephalopathy, 50 (DEE50). Also called: Epileptic encephalopathy, early infantile, 50. Identifiers: Orphanet 448010, MedGen C4225320, MONDO:0014647, OMIM 616457.

Submission:

Juno Genomics, Hangzhou Juno Genomics, Inc
Classification: Uncertain significance for Developmental and epileptic encephalopathy, 50. Review status: criteria provided, single submitter. Criteria: ACMG Guidelines, 2015. Collection method: clinical testing. Allele origin: germline.
Comment: Missense variant in a gene that has a low rate of benign missense variation.;Multiple lines of computational evidence support a deleterious effect on the gene or gene product.;Absent from controls (or at extremely low frequency if recessive) in Genome Aggregation Database.

NM_004341.5(CAD):c.6434C>T (p.Thr2145Ile)

Genes: CAD (carbamoyl-phosphate synthetase 2, aspartate transcarbamylase, and dihydroorotase; plus strand), LOC126806172 (CDK7 strongly-dependent group 2 enhancer GRCh37_chr2:27465505-27466704; plus strand). Cytogenetic location: 2p23.3.
Variant type: single nucleotide variant.
Coding change: c.6434C>T on transcript NM_004341.5 (MANE Select); coding-DNA position 6434, C replaced by T.
Protein change: p.Thr2145Ile; replaces threonine 2145 with isoleucine.
Molecular consequence: missense variant.
Genome position (GRCh38, 1-based): chr2:27,242,927, C>T. VCF-style: chr2-27242927-C-T. GRCh37 (hg19) VCF-style: chr2-27465795-C-T.
Other names: c.6245C>T, p.Thr2082Ile (NM_001306079.2); short protein forms T2145I, T2082I.
Identifiers: ClinVar variation 5006280 (VCV005006280.2).